The following is an entry in ClinVar:

ClinVar aggregate classification (germline): Likely pathogenic (0 of 4 stars; one submission).

Conditions:
DOCK7-related disorder. Also called: DOCK7-related condition.

Submission:

PreventionGenetics, part of Exact Sciences
Classification: Likely pathogenic for DOCK7-related condition. Last evaluated: 2024-04-12. Review status: no assertion criteria provided. Collection method: clinical testing. Allele origin: germline.
Comment: The DOCK7 c.4500delA variant is predicted to result in a frameshift and premature protein termination (p.Val1501Cysfs*70). To our knowledge, this variant has not been reported in the literature or in a large population database, indicating this variant is rare. Frameshift variants in DOCK7 are expected to be pathogenic. This variant is interpreted as likely pathogenic.

NM_001367561.1(DOCK7):c.4527del (p.Val1510fs)

Gene: DOCK7 (dedicator of cytokinesis 7; minus strand). Cytogenetic location: 1p31.3.
Variant type: Deletion.
Coding change: c.4527del on transcript NM_001367561.1 (MANE Select); coding-DNA position 4527, one base deleted (A; older notation c.4527delA).
Protein change: p.Val1510fs; shifts the reading frame from valine 1510.
Molecular consequence: frameshift variant.
Genome position (GRCh38, 1-based): chr1:62,505,766, T deleted on the plus strand (A on the coding strand, the reverse complement: DOCK7 is on the minus strand); the first of 4 consecutive T bases (chr1:62,505,766-62,505,769); deleting any one gives the same sequence. VCF-style (leftmost placement, unchanged base first): chr1-62505765-CT-C. GRCh37 (hg19) VCF-style: chr1-62971436-CT-C.
Other names: c.4500del, p.Val1501fs (NM_001271999.2, NM_001330614.2); c.4407del, p.Val1470fs (NM_001272000.2, NM_001272001.2); c.4434del, p.Val1479fs (NM_033407.4); short protein forms V1470fs, V1479fs, V1501fs, V1510fs.
Identifiers: ClinVar variation 3348003 (VCV003348003.1).
Genomic context (GRCh38, chr1:62,505,765, plus strand): 5'-TAGCAAAACAGTGTTGTAGATAAACTGCACTTTGGTTACAGGCCATGCTGTGTAGTAGCA[CT>C]TTTAGCACTCCACCAAGAATGCTCTCTTTGGATTCCGTTACAGAAACGGTCTGCAATTTA-3'